The following is an entry in ClinVar:

NM_138694.4(PKHD1):c.5701del (p.Ile1901fs)

Gene: PKHD1 (PKHD1 ciliary IPT domain containing fibrocystin/polyductin; minus strand). Cytogenetic location: 6p12.2.
Variant type: Deletion.
Coding change: c.5701del on transcript NM_138694.4 (MANE Select); coding-DNA position 5701, one base deleted (A; older notation c.5701delA).
Protein change: p.Ile1901fs; shifts the reading frame from isoleucine 1901.
Molecular consequence: frameshift variant.
Genome position (GRCh38, 1-based): chr6:52,010,359, T deleted on the plus strand (A on the coding strand, the reverse complement: PKHD1 is on the minus strand); the first of 2 consecutive T bases (chr6:52,010,359-52,010,360); deleting either gives the same sequence. VCF-style (leftmost placement, unchanged base first): chr6-52010358-AT-A. GRCh37 (hg19) VCF-style: chr6-51875156-AT-A.
Other names: c.5701del, p.Ile1901fs (NM_170724.3); short protein forms I1901fs.
Identifiers: ClinVar variation 4816700 (VCV004816700.1).

ClinVar aggregate classification (germline): Likely pathogenic (1 of 4 stars; one submission).

Conditions:
Autosomal recessive polycystic kidney disease (ARPKD). Also called: AR polycystic kidney disease. Identifiers: Orphanet 731, Orphanet 8378, MedGen C0085548, MeSH D017044, MONDO:0009889.

Submission:

Natera, Inc.
Classification: Likely pathogenic for Autosomal recessive polycystic kidney disease. Last evaluated: 2024-08-02. Review status: criteria provided, single submitter. Criteria: Natera Variant Classification Schema (03/2026). Collection method: clinical testing. Allele origin: germline.
Comment: The c.5701del variant in PKHD1 is a frameshift variant predicted to shift the reading frame beginning at codon 1901 and leads to a stop codon 73 codons downstream. This variant is expected to result in nonsense mediated decay, truncation, or a dysfunctional protein product. This variant is rare in the general population with a frequency below the threshold expected for the associated phenotype(s). Given the available evidence, this variant is classified as Likely Pathogenic.